The following is an entry in ClinVar:

ClinVar aggregate classification (germline): Likely benign. Review status: criteria provided, multiple submitters, no conflicts (2 of 4 stars). 2 submissions from 2 submitters: Likely benign (2). Last evaluated 2023-03-23.

Conditions:
Hereditary cancer-predisposing syndrome. Also called: Neoplastic Syndromes, Hereditary; Hereditary Cancer Syndrome; Hereditary neoplastic syndrome; Tumor predisposition. Identifiers: Orphanet 140162, MedGen C0027672, MeSH D009386, MONDO:0015356.

Submissions (2):

University of Washington Department of Laboratory Medicine, University of Washington
Classification: Likely benign for Hereditary cancer-predisposing syndrome. Last evaluated: 2023-03-23. Review status: criteria provided, single submitter. Criteria: Dines et al. (Genet Med. 2020). Collection method: curation. Allele origin: germline.
Comment: Missense variant in a coldspot region where missense variants are very unlikely to be pathogenic (PMID:31911673).

BRCA1 coldspot (exon 11 using historical exon numbering). Reclassification based on statistical prior probability

Ambry Genetics
Classification: Likely benign for Hereditary cancer-predisposing syndrome. Last evaluated: 2016-09-01. Review status: criteria provided, single submitter. Criteria: Ambry Variant Classification Scheme 2023. Collection method: clinical testing. Allele origin: germline.

NM_007294.4(BRCA1):c.3935C>G (p.Thr1312Ser)

Genes: BRCA1 (BRCA1 DNA repair associated; minus strand), LOC126862571 (BRD4-independent group 4 enhancer GRCh37_chr17:41243136-41244335; plus strand). Cytogenetic location: 17q21.31.
Variant type: single nucleotide variant.
Coding change: c.3935C>G on transcript NM_007294.4 (MANE Select); coding-DNA position 3935, C replaced by G.
Protein change: p.Thr1312Ser; replaces threonine 1312 with serine.
Molecular consequence: missense variant. On other transcripts: intron variant (135).
Genome position (GRCh38, 1-based): chr17:43,091,596, G>C on the plus strand (C>G on the coding strand, the complement: BRCA1 is on the minus strand). VCF-style: chr17-43091596-G-C. GRCh37 (hg19) VCF-style: chr17-41243613-G-C.
Other names: c.3599C>G, p.Thr1200Ser (NM_001407954.1, NM_001407955.1, NM_001407956.1 and 1 more transcripts); c.3809C>G, p.Thr1270Ser (NM_001407691.1, NM_001407940.1, NM_001407941.1 and 11 more transcripts); c.3794C>G, p.Thr1265Ser (NM_001407692.1, NM_001407694.1, NM_001407697.1 and 29 more transcripts); c.3554C>G, p.Thr1185Ser (NM_001407959.1, NM_001407960.1, NM_001407963.1); c.3602C>G, p.Thr1201Ser (NM_001407957.1, NM_001407946.1, NM_001407947.1 and 6 more transcripts); c.3725C>G, p.Thr1242Ser (NM_001407881.1, NM_001407882.1, NM_001407884.1 and 13 more transcripts); c.3722C>G, p.Thr1241Ser (NM_001407894.1, NM_001407895.1, NM_001407896.1 and 9 more transcripts); c.3812C>G, p.Thr1271Ser (NM_001407919.1, NM_001407937.1, NM_001407938.1 and 19 more transcripts); and 41 more; short protein forms T1312S, T1265S, T1244S, T1271S, T1285S, T1224S, T1241S, T1223S.
Identifiers: ClinVar variation 479229 (VCV000479229.8), dbSNP rs1555586769, ClinGen allele CA10594090.